The following is an entry in ClinVar:

NM_181712.5(KANK4):c.209C>T (p.Pro70Leu)

Gene: KANK4 (KN motif and ankyrin repeat domains 4; minus strand). Cytogenetic location: 1p31.3.
Variant type: single nucleotide variant.
Coding change: c.209C>T on transcript NM_181712.5 (MANE Select); coding-DNA position 209, C replaced by T.
Protein change: p.Pro70Leu; replaces proline 70 with leucine.
Molecular consequence: missense variant. On other transcripts: intron variant (1).
Genome position (GRCh38, 1-based): chr1:62,274,895, G>A on the plus strand (C>T on the coding strand, the complement: KANK4 is on the minus strand). VCF-style: chr1-62274895-G-A. GRCh37 (hg19) VCF-style: chr1-62740567-G-A.
Other names: c.17-3306C>T (NM_001320269.2); short protein forms P70L.
Identifiers: ClinVar variation 2771026 (VCV002771026.3), dbSNP rs1672273880, ClinGen allele CA340625449.

ClinVar aggregate classification (germline): Uncertain significance (1 of 4 stars; one submission).

Allele frequency attached by ClinVar (database versions not stated): gnomAD exomes below 0.00001; TOPMed below 0.00001.
gnomAD v4.1: 3 of 1,614,184 alleles (0.00019%); highest among the groups gnomAD compares: Non-Finnish European, 0.00025%; no homozygotes.

Submission:

Labcorp Genetics (formerly Invitae), Labcorp
Classification: Uncertain significance. Last evaluated: 2023-10-22. Review status: criteria provided, single submitter. Criteria: Invitae Variant Classification Sherloc (09022015). Collection method: clinical testing. Allele origin: germline.
Comment: This sequence change replaces proline, which is neutral and non-polar, with leucine, which is neutral and non-polar, at codon 70 of the KANK4 protein (p.Pro70Leu). This variant is not present in population databases (gnomAD no frequency). This variant has not been reported in the literature in individuals affected with KANK4-related conditions. An algorithm developed to predict the effect of missense changes on protein structure and function (PolyPhen-2) suggests that this variant is likely to be disruptive. In summary, the available evidence is currently insufficient to determine the role of this variant in disease. Therefore, it has been classified as a Variant of Uncertain Significance.